The following is an entry in ClinVar:

NM_001543.5(NDST1):c.1690G>A (p.Val564Met)

Gene: NDST1 (N-deacetylase and N-sulfotransferase 1; plus strand). Cytogenetic location: 5q33.1.
Variant type: single nucleotide variant.
Coding change: c.1690G>A on transcript NM_001543.5 (MANE Select); coding-DNA position 1690, G replaced by A.
Protein change: p.Val564Met; replaces valine 564 with methionine.
Molecular consequence: missense variant.
Genome position (GRCh38, 1-based): chr5:150,540,205, G>A. VCF-style: chr5-150540205-G-A. GRCh37 (hg19) VCF-style: chr5-149919767-G-A.
Other names: c.1690G>A, p.Val564Met (NM_001301063.2); short protein forms V564M.
Identifiers: ClinVar variation 1363449 (VCV001363449.6), dbSNP rs774976739, ClinGen allele CA3512747.
Genomic context (GRCh38, chr5:150,540,205, plus strand): 5'-AAGCACCTGGTGCGCTTCCTGCACTCCTGGACGAACCTCCGGCTGCAGACACTGCCCCCT[G>A]TGCAGTTGGCGCAGAAGTACTTCCAGATCTTCTCCGAGGAGAAGGACCCGCTCTGGCAGG-3'
Protein context (NP_001534.1, residues 554-574): TNLRLQTLPP[Val564Met]QLAQKYFQIF

ClinVar aggregate classification (germline): Uncertain significance (1 of 4 stars; one submission).

gnomAD v4.1: 12 of 1,614,020 alleles (0.00074%); highest among the groups gnomAD compares: South Asian, 0.0077%; no homozygotes.

Submission:

Labcorp Genetics (formerly Invitae), Labcorp
Classification: Uncertain significance. Last evaluated: 2022-10-17. Review status: criteria provided, single submitter. Criteria: Invitae Variant Classification Sherloc (09022015). Collection method: clinical testing. Allele origin: germline.
Comment: In summary, the available evidence is currently insufficient to determine the role of this variant in disease. Therefore, it has been classified as a Variant of Uncertain Significance. Advanced modeling of protein sequence and biophysical properties (such as structural, functional, and spatial information, amino acid conservation, physicochemical variation, residue mobility, and thermodynamic stability) performed at Invitae indicates that this missense variant is not expected to disrupt NDST1 protein function. ClinVar contains an entry for this variant (Variation ID: 1363449). This variant has not been reported in the literature in individuals affected with NDST1-related conditions. This variant is present in population databases (rs774976739, gnomAD 0.003%). This sequence change replaces valine, which is neutral and non-polar, with methionine, which is neutral and non-polar, at codon 564 of the NDST1 protein (p.Val564Met).